The following is an entry in ClinVar:

ClinVar aggregate classification (germline): Likely benign (1 of 4 stars; one submission).

Allele frequency attached by ClinVar (database versions not stated): gnomAD 0.01203 and 0.01105; 1000 Genomes Project 0.01218; TOPMed 0.01229; 1000 Genomes Project 30x 0.01390.
gnomAD v4.1: 1,667 of 152,272 alleles (1.1%); highest among the groups gnomAD compares: African/African-American, 3.8%; 35 homozygotes.

Submission:

GeneDx
Classification: Likely benign. Last evaluated: 2018-06-18. Review status: criteria provided, single submitter. Criteria: GeneDx Variant Classification (06012015). Collection method: clinical testing. Allele origin: germline. Affected: yes.
Comment: This variant is considered likely benign or benign based on one or more of the following criteria: it is a conservative change, it occurs at a poorly conserved position in the protein, it is predicted to be benign by multiple in silico algorithms, and/or has population frequency not consistent with disease.

NM_005908.4(MANBA):c.2014+169G>A

Gene: MANBA (mannosidase beta; minus strand). Cytogenetic location: 4q24.
Variant type: single nucleotide variant.
Coding change: c.2014+169G>A on transcript NM_005908.4 (MANE Select); 169 bases into the intron after coding-DNA position 2014, G replaced by A.
Molecular consequence: intron variant.
Genome position (GRCh38, 1-based): chr4:102,639,544, C>T on the plus strand (G>A on the coding strand, the complement: MANBA is on the minus strand). VCF-style: chr4-102639544-C-T. GRCh37 (hg19) VCF-style: chr4-103560701-C-T.
Identifiers: ClinVar variation 673948 (VCV000673948.1), dbSNP rs115374885, ClinGen allele CA102716179.
Genomic context (GRCh38, chr4:102,639,544, plus strand): 5'-GCAACTTTGCACAGCACAGAACCCATAATTAGGTTGACCCTAAGGCTCATGGAAAGGCTA[C>T]TAAGGTGAGTTGGGTGGCTGTAGTTCCTAGGCAGGCTTTTTAAAGAATGACTCTTTTGGT-3'